The following is an entry in ClinVar:

NM_001270508.2(TNFAIP3):c.1625G>A (p.Arg542Lys)

Gene: TNFAIP3 (TNF alpha induced protein 3; plus strand). Cytogenetic location: 6q23.3.
Variant type: single nucleotide variant.
Coding change: c.1625G>A on transcript NM_001270508.2 (MANE Select); coding-DNA position 1625, G replaced by A.
Protein change: p.Arg542Lys; replaces arginine 542 with lysine.
Molecular consequence: missense variant.
Genome position (GRCh38, 1-based): chr6:137,879,070, G>A. VCF-style: chr6-137879070-G-A. GRCh37 (hg19) VCF-style: chr6-138200207-G-A.
Other names: c.1625G>A, p.Arg542Lys (NM_001270507.2, NM_006290.4); short protein forms R542K.
Identifiers: ClinVar variation 4821948 (VCV004821948.4).
Genomic context (GRCh38, chr6:137,879,070, plus strand): 5'-AAGCCTGCCTCCAGGATGTTACCAGGACATTTAATGGGATCTGCAGTACTTGCTTCAAAA[G>A]GACTACAGCAGAGGCCTCCTCCAGCCTCAGCACCAGCCTCCCTCCTTCCTGTCACCAGCG-3'
Protein context (NP_001257437.1, residues 532-552): FNGICSTCFK[Arg542Lys]TTAEASSSLS

ClinVar aggregate classification (germline): Uncertain significance (1 of 4 stars; one submission).

gnomAD v4.1: 1 of 1,614,212 alleles (0.000062%); highest among the groups gnomAD compares: Non-Finnish European, 0.000085%; no homozygotes.

Submission:

CeGaT Center for Human Genetics Tuebingen
Classification: Uncertain significance. Last evaluated: 2026-03-01. Review status: criteria provided, single submitter. Criteria: CeGaT Center For Human Genetics Tuebingen Variant Classification Criteria Version 2. Collection method: clinical testing. Allele origin: germline. Affected: yes. Observed: 1 variant allele.
Comment: TNFAIP3: PM2